The following is an entry in ClinVar:

NM_001365999.1(SZT2):c.7552C>T (p.Leu2518Phe)

Gene: SZT2 (SZT2 subunit of KICSTOR complex; plus strand). Cytogenetic location: 1p34.2.
Variant type: single nucleotide variant.
Coding change: c.7552C>T on transcript NM_001365999.1 (MANE Select); coding-DNA position 7552, C replaced by T.
Protein change: p.Leu2518Phe; replaces leucine 2518 with phenylalanine.
Molecular consequence: missense variant.
Genome position (GRCh38, 1-based): chr1:43,441,544, C>T. VCF-style: chr1-43441544-C-T. GRCh37 (hg19) VCF-style: chr1-43907215-C-T.
Other names: c.7381C>T, p.Leu2461Phe (NM_015284.4); short protein forms L2461F, L2518F.
Identifiers: ClinVar variation 1017978 (VCV001017978.8), dbSNP rs1655061974, ClinGen allele CA340035257.
Genomic context (GRCh38, chr1:43,441,544, plus strand): 5'-CTTACTCCCACTGTCTTCAGGCGCCGGACAACACAGCTAGAAGAGGGTGAGGTGGGGACC[C>T]TTCATCCTGTGTTTGCCCGTGTTGCTCAGCGCTGGATGGAGTTTATGGTTCAGATTGGTG-3'
Protein context (NP_001352928.1, residues 2508-2528): TQLEEGEVGT[Leu2518Phe]HPVFARVAQR

ClinVar aggregate classification (germline): Uncertain significance (1 of 4 stars; one submission).

Submission:

Labcorp Genetics (formerly Invitae), Labcorp
Classification: Uncertain significance. Last evaluated: 2017-10-03. Review status: criteria provided, single submitter. Criteria: Invitae Variant Classification Sherloc (09022015). Collection method: clinical testing. Allele origin: germline.
Comment: This sequence change replaces leucine with phenylalanine at codon 2461 of the SZT2 protein (p.Leu2461Phe). The leucine residue is highly conserved and there is a small physicochemical difference between leucine and phenylalanine. In summary, the available evidence is currently insufficient to determine the role of this variant in disease. Therefore, it has been classified as a Variant of Uncertain Significance. Algorithms developed to predict the effect of missense changes on protein structure and function do not agree on the potential impact of this missense change (SIFT: "Deleterious"; PolyPhen-2: "Probably Damaging"; Align-GVGD: "Class C0"). This variant has not been reported in the literature in individuals with SZT2-related disease. This variant is not present in population databases (ExAC no frequency).